The following is an entry in ClinVar:

ClinVar aggregate classification (germline): Conflicting classifications of pathogenicity. Review status: criteria provided, conflicting classifications (1 of 4 stars). 7 submissions from 7 submitters: Uncertain significance (2); Likely benign (2). 3 of the submissions do not count toward it. Last evaluated 2025-10-27.

Conditions:
MYO7A-related disorder. Also called: MYO7A-related disorders.
Usher syndrome type 1 (USH1). Also called: RETINITIS PIGMENTOSA AND CONGENITAL DEAFNESS. Identifiers: Orphanet 231169, Orphanet 886, MedGen C1568247, MONDO:0010168, OMIM 276900.
Autosomal recessive nonsyndromic hearing loss 2. Also called: DEAFNESS, AUTOSOMAL RECESSIVE 2; NEUROSENSORY NONSYNDROMIC RECESSIVE DEAFNESS 2. Identifiers: Orphanet 90636, MedGen C1838701, MONDO:0010807, OMIM 600060.
Usher syndrome type 1B (USH1B). Also called: Usher syndrome type IB. Identifiers: MedGen C1848638, MONDO:0700087.

Allele frequency attached by ClinVar (database versions not stated): TOPMed 0.00002.
gnomAD v4.1: 39 of 1,609,812 alleles (0.0024%); highest among the groups gnomAD compares: Middle Eastern, 0.016%; no homozygotes.

Submissions (7):

Labcorp Genetics (formerly Invitae), Labcorp
Classification: Likely benign. Last evaluated: 2025-10-27. Review status: criteria provided, single submitter. Criteria: Invitae Variant Classification Sherloc (09022015). Collection method: clinical testing. Allele origin: germline.

Blueprint Genetics
Classification: Uncertain significance. Last evaluated: 2023-03-31. Review status: criteria provided, single submitter. Criteria: ACMG Guidelines, 2015. Collection method: clinical testing. Allele origin: germline.

GeneDx
Classification: Likely benign. Last evaluated: 2020-08-18. Review status: criteria provided, single submitter. Criteria: GeneDx Variant Classification Process June 2021. Collection method: clinical testing. Allele origin: germline. Affected: yes.
Comment: This variant is associated with the following publications: (PMID: 21602428)

Laboratory for Molecular Medicine, Mass General Brigham Personalized Medicine
Classification: Uncertain significance. Last evaluated: 2014-11-18. Review status: criteria provided, single submitter. Criteria: LMM Criteria. Collection method: clinical testing. Allele origin: germline. Observed: 1 variant allele.
Comment: Variant classified as Uncertain Significance - Favor Benign. The c.4153-7C>A var iant in MYO7A has not been previously reported in individuals with hearing loss or in large population studies. This variant is located in the 3' splice region. Computational tools do not suggest an impact to splicing, though this informati on is not predictive enough to rule out pathogenicity. In summary, while the cl inical significance of the c.4153-7C>A variant is uncertain, the splicing data s uggest that it is more likely to be benign.

PreventionGenetics, part of Exact Sciences
Classification: Likely benign for MYO7A-related condition. Last evaluated: 2024-09-25. Review status: no assertion criteria provided. Collection method: clinical testing. Allele origin: germline. Not counted in ClinVar's aggregate classification.
Comment: This variant is classified as likely benign based on ACMG/AMP sequence variant interpretation guidelines (Richards et al. 2015 PMID: 25741868, with internal and published modifications).

Natera, Inc.
Classification: Uncertain significance for Usher syndrome type 1B. Last evaluated: 2020-04-16. Review status: no assertion criteria provided. Collection method: clinical testing. Allele origin: germline. Not counted in ClinVar's aggregate classification.

Counsyl
Classification: Uncertain significance for Usher syndrome type 1; Autosomal recessive nonsyndromic hearing loss 2. Last evaluated: 2017-05-15. Review status: no assertion criteria provided. Collection method: clinical testing. Allele origin: unknown. Not counted in ClinVar's aggregate classification.

Literature cited by the submitters: PubMed 21602428 (cited by Laboratory for Molecular Medicine, Mass General Brigham Personalized Medicine).

NM_000260.4(MYO7A):c.4153-7C>A

Gene: MYO7A (myosin VIIA; plus strand). Cytogenetic location: 11q13.5.
Variant type: single nucleotide variant.
Coding change: c.4153-7C>A on transcript NM_000260.4 (MANE Select); 7 bases into the intron before coding-DNA position 4153, C replaced by A.
Molecular consequence: intron variant.
Genome position (GRCh38, 1-based): chr11:77,194,347, C>A. VCF-style: chr11-77194347-C-A. GRCh37 (hg19) VCF-style: chr11-76905392-C-A.
Other names: c.4120-7C>A (NM_001369365.1); c.4153-7C>A (NM_001127180.2).
Identifiers: ClinVar variation 180061 (VCV000180061.18), dbSNP rs369489756, ClinGen allele CA185728.